The following is an entry in ClinVar:

ClinVar aggregate classification (germline): Uncertain significance (1 of 4 stars; one submission).

Conditions:
RASopathy. Also called: Noonan spectrum disorder; rasopathies. Identifiers: Orphanet 536391, MedGen C5555857, MONDO:0021060.

Submission:

Labcorp Genetics (formerly Invitae), Labcorp
Classification: Uncertain significance for RASopathy. Last evaluated: 2024-10-18. Review status: criteria provided, single submitter. Criteria: Invitae Variant Classification Sherloc (09022015). Collection method: clinical testing. Allele origin: germline.
Comment: This sequence change replaces methionine, which is neutral and non-polar, with lysine, which is basic and polar, at codon 496 of the SOS1 protein (p.Met496Lys). This variant is not present in population databases (gnomAD no frequency). This variant has not been reported in the literature in individuals affected with SOS1-related conditions. ClinVar contains an entry for this variant (Variation ID: 1996211). Invitae Evidence Modeling of protein sequence and biophysical properties (such as structural, functional, and spatial information, amino acid conservation, physicochemical variation, residue mobility, and thermodynamic stability) indicates that this missense variant is expected to disrupt SOS1 protein function with a positive predictive value of 95%. In summary, the available evidence is currently insufficient to determine the role of this variant in disease. Therefore, it has been classified as a Variant of Uncertain Significance.

NM_005633.4(SOS1):c.1487T>A (p.Met496Lys)

Gene: SOS1 (SOS Ras/Rac guanine nucleotide exchange factor 1; minus strand). Cytogenetic location: 2p22.1.
Variant type: single nucleotide variant.
Coding change: c.1487T>A on transcript NM_005633.4 (MANE Select); coding-DNA position 1487, T replaced by A.
Protein change: p.Met496Lys; replaces methionine 496 with lysine.
Molecular consequence: missense variant.
Genome position (GRCh38, 1-based): chr2:39,022,941, A>T on the plus strand (T>A on the coding strand, the complement: SOS1 is on the minus strand). VCF-style: chr2-39022941-A-T. GRCh37 (hg19) VCF-style: chr2-39250082-A-T.
Other names: c.1466T>A, p.Met489Lys (NM_001382394.1); c.1487T>A, p.Met496Lys (NM_001382395.1); short protein forms M489K, M496K.
Identifiers: ClinVar variation 1996211 (VCV001996211.4), dbSNP rs2529036863, ClinGen allele CA346366062.
Genomic context (GRCh38, chr2:39,022,941, plus strand): 5'-ATTTCAAAAGCATGCTTGTATTCATTGGTGTCATCTTTATCATTAATTTGTACCTTTCGC[A>T]TAAAAAACTTTTCTTTAAGACGATATTCTGCATTGCTAGCACCAGGAAGTCTTGGCTGCC-3'
Protein context (NP_005624.2, residues 486-506): AEYRLKEKFF[Met496Lys]RKVQINDKDD